The following is an entry in ClinVar:

ClinVar aggregate classification (germline): Pathogenic. Review status: reviewed by expert panel (3 of 4 stars). 5 submissions from 4 submitters: Pathogenic (1). 4 of the submissions do not count toward it. Last evaluated 2026-01-23.

Conditions:
Autosomal recessive limb-girdle muscular dystrophy. Identifiers: Orphanet 102015, MedGen C2931907, MONDO:0015152.
Neuromuscular disease caused by qualitative or quantitative defects of dysferlin. Also called: Dysferlinopathy; Qualitative or quantitative defects of dysferlin. Identifiers: Orphanet 207073, MedGen C2931687, MONDO:0016145.
Miyoshi muscular dystrophy 1 (MMD1). Identifiers: Orphanet 45448, MedGen C4551973, MONDO:0024545, OMIM 254130.
Autosomal recessive limb-girdle muscular dystrophy type 2B (LGMDR2). Also called: MUSCULAR DYSTROPHY, LIMB-GIRDLE, AUTOSOMAL RECESSIVE 2; Limb-girdle muscular dystrophy, type 2B; Limb-Girdle Muscular Dystrophy Type 2B (LGMD2B); MUSCULAR DYSTROPHY, LIMB-GIRDLE, TYPE 3. Identifiers: Orphanet 268, MedGen C1850889, MONDO:0009676, OMIM 253601.

Allele frequency attached by ClinVar (database versions not stated): gnomAD exomes 0.00001; ExAC 0.00001.
gnomAD v4.1: 9 of 1,613,850 alleles (0.00056%); highest among the groups gnomAD compares: East Asian, 0.0022%; no homozygotes.

Submissions (5):

ClinGen Limb Girdle Muscular Dystrophy Variant Curation Expert Panel, ClinGen
Classification: Pathogenic for Autosomal recessive limb-girdle muscular dystrophy. Last evaluated: 2026-01-23. Review status: reviewed by expert panel. Criteria: ClinGen LGMD VCEP ACMG Specifications DYSF V2.0.0. Collection method: curation. Allele origin: germline. Inheritance: Autosomal recessive inheritance.
Comment: The NM_003494.4: c.5078G>A variant in DYSF, which is also known as NM_001130987.2: c.5195G>A (p.Arg1732Gln), is a missense variant predicted to cause substitution of arginine by glutamine at amino acid 1693, p.(Arg1693Gln). This variant has been reported in at least six individuals with features overlapping LGMD (PMID: 26060040, 25868377, 27066573, 32400077, Jain Foundation Dysferlin Registry), including in a homozygous state without reported consanguinity in two individuals (0.5 pts each, PMID: 27066573, Jain Foundation Dysferlin Registry) (PM3). At least one patient with this variant and another presumed diagnostic DYSF variant had clinical features of LGMD and absent dysferlin expression in muscle biopsy, which is highly specific for DYSF-related LGMD (PMID: 25868377; PP4_Strong). The filtering allele frequency of this variant is 0.000010036 (upper threshold of the 95% CI of 6/1180040 European (non-Finnish) chromosomes) in gnomAD v4.1.0, which is less than the ClinGen LGMD VCEP threshold (<0.0001) (PM2_Supporting). The computational predictor REVEL gives a score of 0.93, which is above the LGMD VCEP threshold of ≥0.70, evidence that correlates with impact to DYSF function (PP3). In addition, another missense variant at the same codon, NM_003494.4: c.5077C>T p.(Arg1693Trp), has been classified as pathogenic by the ClinGen LGMD VCEP (PM5). In summary, this variant meets the criteria to be classified as Pathogenic for autosomal recessive limb girdle muscular dystrophy based on the ACMG/AMP criteria applied, as specified by the ClinGen LGMD VCEP (specifications v2.0.0; 01/23/2026): PM3, PP4_Strong, PP3, PM2_Supporting, PM5.

Baylor Genetics
Classification: Pathogenic for Miyoshi muscular dystrophy 1. Last evaluated: 2023-05-11. Review status: criteria provided, single submitter. Criteria: ACMG Guidelines, 2015. Collection method: clinical testing. Allele origin: unknown. Not counted in ClinVar's aggregate classification.

Labcorp Genetics (formerly Invitae), Labcorp
Classification: Pathogenic for Neuromuscular disease caused by qualitative or quantitative defects of dysferlin. Last evaluated: 2023-04-28. Review status: criteria provided, single submitter. Criteria: Invitae Variant Classification Sherloc (09022015). Collection method: clinical testing. Allele origin: germline. Not counted in ClinVar's aggregate classification.
Comment: This sequence change replaces arginine, which is basic and polar, with glutamine, which is neutral and polar, at codon 1693 of the DYSF protein (p.Arg1693Gln). This variant is present in population databases (rs779987458, gnomAD 0.006%). This missense change has been observed in individuals with a dysferlinopathy (PMID: 2606004, 16010686, 18853459, 25868377, 27066573). ClinVar contains an entry for this variant (Variation ID: 242527). Advanced modeling of protein sequence and biophysical properties (such as structural, functional, and spatial information, amino acid conservation, physicochemical variation, residue mobility, and thermodynamic stability) performed at Invitae indicates that this missense variant is expected to disrupt DYSF protein function. This variant disrupts the p.Arg1693 amino acid residue in DYSF. Other variant(s) that disrupt this residue have been determined to be pathogenic (PMID: 16100712, 23530687, 27066573, 27647186, 28403181). This suggests that this residue is clinically significant, and that variants that disrupt this residue are likely to be disease-causing. For these reasons, this variant has been classified as Pathogenic.

Baylor Genetics
Classification: Likely pathogenic for Autosomal recessive limb-girdle muscular dystrophy type 2B. Last evaluated: 2019-11-04. Review status: criteria provided, single submitter. Criteria: ACMG Guidelines, 2015. Collection method: clinical testing. Allele origin: unknown. Affected: yes. Not counted in ClinVar's aggregate classification.
Comment: This variant was determined to be likely pathogenic according to ACMG Guidelines, 2015 [PMID:25741868]. Additionally, an alleleic variant p.R1693W has also been reported in patients [PMID: 16100712, 27066573, 23530687, 27647186, 28403181]

Counsyl
Classification: Likely pathogenic for Autosomal recessive limb-girdle muscular dystrophy type 2B. Last evaluated: 2018-01-23. Review status: no assertion criteria provided. Collection method: clinical testing. Allele origin: unknown. Not counted in ClinVar's aggregate classification.

Literature cited by the submitters: PubMed 2606004 (cited by Labcorp Genetics (formerly Invitae), Labcorp); PubMed 16010686 (cited by Labcorp Genetics (formerly Invitae), Labcorp and Counsyl); PubMed 18853459 (cited by Labcorp Genetics (formerly Invitae), Labcorp and Counsyl); PubMed 25868377 (cited by Labcorp Genetics (formerly Invitae), Labcorp and Counsyl); PubMed 27066573 (cited by 3 submitters); PubMed 16100712 (cited by Labcorp Genetics (formerly Invitae), Labcorp and Baylor Genetics); PubMed 23530687 (cited by Labcorp Genetics (formerly Invitae), Labcorp and Baylor Genetics); PubMed 27647186 (cited by Labcorp Genetics (formerly Invitae), Labcorp and Baylor Genetics); PubMed 28403181 (cited by Labcorp Genetics (formerly Invitae), Labcorp and Baylor Genetics); PubMed 25326637 (cited by Counsyl); PubMed 26060040 (cited by Counsyl).

NM_001130987.2(DYSF):c.5195G>A (p.Arg1732Gln)

Gene: DYSF (dysferlin; plus strand). Cytogenetic location: 2p13.2.
Variant type: single nucleotide variant.
Coding change: c.5195G>A on transcript NM_001130987.2 (MANE Select); coding-DNA position 5195, G replaced by A.
Protein change: p.Arg1732Gln; replaces arginine 1732 with glutamine.
Molecular consequence: missense variant.
Genome position (GRCh38, 1-based): chr2:71,665,182, G>A. VCF-style: chr2-71665182-G-A. GRCh37 (hg19) VCF-style: chr2-71892312-G-A.
Other names: NM_001130987.2(DYSF):c.5195G>A; p.Arg1732Gln; c.5081G>A, p.Arg1694Gln (NM_001130455.2); c.5036G>A, p.Arg1679Gln (NM_001130976.2); c.5099G>A, p.Arg1700Gln (NM_001130977.2); c.5141G>A, p.Arg1714Gln (NM_001130978.2); c.5171G>A, p.Arg1724Gln (NM_001130979.2); c.5129G>A, p.Arg1710Gln (NM_001130980.2); and 7 more; short protein forms R1693Q, R1732Q, R1701Q, R1714Q, R1715Q, R1724Q, R1694Q, R1710Q.
Identifiers: ClinVar variation 242527 (VCV000242527.11), dbSNP rs779987458, ClinGen allele CA351294.
Genomic context (GRCh38, chr2:71,665,182, plus strand): 5'-CCTTGAAGCATCTCATCTATGTCTTGTGCTTGCTCCTCAGCTCTGGACCGAACCAGTGGC[G>A]GGACCAGCTCCGCCCCTCCCAGCTCCTCCACCTCTTCTGCCAGCAGCATAGAGTCAAGGC-3'
Protein context (NP_001124459.1, residues 1722-1742): TYCVSGPNQW[Arg1732Gln]DQLRPSQLLH